The following is an entry in ClinVar:

NM_002485.5(NBN):c.123del (p.Ser42fs)

Gene: NBN (nibrin; minus strand). Cytogenetic location: 8q21.3.
Variant type: Deletion.
Coding change: c.123del on transcript NM_002485.5 (MANE Select); coding-DNA position 123, one base deleted (C; older notation c.123delC).
Protein change: p.Ser42fs; shifts the reading frame from serine 42.
Molecular consequence: frameshift variant. On other transcripts: 5 prime UTR variant (1).
Genome position (GRCh38, 1-based): chr8:89,982,770, G deleted on the plus strand (C on the coding strand, the reverse complement: NBN is on the minus strand). VCF-style (leftmost placement, unchanged base first): chr8-89982769-TG-T. GRCh37 (hg19) VCF-style: chr8-90994997-TG-T.
Other names: c.123delC (NM_002485.4, NM_002485.5); c.-174del (NM_001024688.3); short protein forms S42fs.
Identifiers: ClinVar variation 141631 (VCV000141631.26), dbSNP rs587781891, ClinGen allele CA165984.

ClinVar aggregate classification (germline): Pathogenic/Likely pathogenic. Review status: criteria provided, multiple submitters, no conflicts (2 of 4 stars). 7 submissions from 7 submitters: Pathogenic (6); Likely pathogenic (1). Last evaluated 2025-11-20.

Conditions:
Hereditary cancer-predisposing syndrome. Also called: Neoplastic Syndromes, Hereditary; Hereditary Cancer Syndrome; Hereditary neoplastic syndrome; Tumor predisposition. Identifiers: Orphanet 140162, MedGen C0027672, MeSH D009386, MONDO:0015356.
Aplastic anemia. Identifiers: Orphanet 182040, Orphanet 88, MedGen C0002874, MONDO:0015909, OMIM 609135, HP:0001915.
Microcephaly, normal intelligence and immunodeficiency (NBS). Also called: Immunodeficiency, microcephaly with normal intelligence; SEEMANOVA SYNDROME II; Nijmegen breakage syndrome; Microcephaly with normal intelligence immunodeficiency and lymphoreticular malignancies; Nonsyndromal microcephaly autosomal recessive with normal intelligence; Seemanova syndrome 2. Identifiers: Orphanet 647, MedGen C0398791, MONDO:0009623, OMIM 251260.

Allele frequency attached by ClinVar (database versions not stated): gnomAD exomes below 0.00001 and 0.00002; gnomAD 0.00001; TOPMed 0.00002.

Submissions (7):

Labcorp Genetics (formerly Invitae), Labcorp
Classification: Pathogenic for Microcephaly, normal intelligence and immunodeficiency. Last evaluated: 2025-11-20. Review status: criteria provided, single submitter. Criteria: Invitae Variant Classification Sherloc (09022015). Collection method: clinical testing. Allele origin: germline.
Comment: This sequence change creates a premature translational stop signal (p.Ser42Alafs*7) in the NBN gene. It is expected to result in an absent or disrupted protein product. Loss-of-function variants in NBN are known to be pathogenic (PMID: 9590180, 16415040). This variant is present in population databases (rs587781891, gnomAD 0.0009%). This variant has not been reported in the literature in individuals affected with NBN-related conditions. ClinVar contains an entry for this variant (Variation ID: 141631). RNA analysis performed to evaluate the impact of this premature translational stop signal on mRNA splicing indicates it does not significantly alter splicing (internal data). For these reasons, this variant has been classified as Pathogenic.

Institute for Biomarker Research, Medical Diagnostic Laboratories, L.L.C.
Classification: Pathogenic for Hereditary cancer-predisposing syndrome. Last evaluated: 2025-03-05. Review status: criteria provided, single submitter. Criteria: ACMG Guidelines, 2015. Collection method: clinical testing. Allele origin: germline.
Comment: The frameshift deletion NM_002485.5(NBN):c.123delC (p.Ser42Alafs*7) has been reported to ClinVar as Pathogenic/Likely pathogenic with a status of (2 stars) criteria provided, multiple submitters, no conflicts (Variation ID 141631 as of 2025-02-06). This variant is predicted to cause loss of normal protein function through protein truncation caused a frameshift mutation. The frame shifted sequence continues 7 residues until a stop codon is reached. This variant is a frameshift variant which occurs in an exon of NBN upstream of where nonsense mediated decay is predicted to occur. For these reasons, this variant has been classified as Pathogenic.

Ambry Genetics
Classification: Pathogenic for Hereditary cancer-predisposing syndrome. Last evaluated: 2024-09-02. Review status: criteria provided, single submitter. Criteria: Ambry Variant Classification Scheme 2023. Collection method: clinical testing. Allele origin: germline.
Comment: The c.123delC pathogenic mutation, located in coding exon 2 of the NBN gene, results from a deletion of one nucleotide at nucleotide position 123, causing a translational frameshift with a predicted alternate stop codon (p.S42Afs*7). This alteration is expected to result in loss of function by premature protein truncation or nonsense-mediated mRNA decay. This variant is considered to be rare based on population cohorts in the Genome Aggregation Database (gnomAD). As such, this alteration is interpreted as a disease-causing mutation.

Baylor Genetics
Classification: Pathogenic for Aplastic anemia. Last evaluated: 2024-03-14. Review status: criteria provided, single submitter. Criteria: ACMG Guidelines, 2015. Collection method: clinical testing. Allele origin: unknown.

Women's Health and Genetics/Laboratory Corporation of America, LabCorp
Classification: Pathogenic for Microcephaly, normal intelligence and immunodeficiency. Last evaluated: 2021-11-16. Review status: criteria provided, single submitter. Criteria: LabCorp Variant Classification Summary - May 2015. Collection method: clinical testing. Allele origin: germline.
Comment: Variant summary: NBN c.123delC (p.Ser42AlafsX7) results in a premature termination codon, predicted to cause a truncation of the encoded protein or absence of the protein due to nonsense mediated decay, which are commonly known mechanisms for disease. Truncations downstream of this position have been classified as pathogenic both in settings of Nijmegen breakage syndrome and susceptibility to cancer by our laboratory and have been reported in the HGMD database. The variant allele was found at a frequency of 4e-06 in 251430 control chromosomes (gnomAD). c.123delC has been reported in the literature mainly in individuals affected with breast cancer, ovarian cancer and prostate cancer (examples: Zuntini_2021, Bishop_2020, Long_2019, Matejci_2019, Mijuskovic_2018, and LaDuca_2016) but not as a homozygous or compound heterozygous genotype in settings of autosomal recessive Nijmegen Breakage Syndrome. Although these reports do not provide unequivocal conclusions about association of the variant with Nijmegen Breakage Syndrome, the risk of breast and prostate cancers among heterozygous carriers of pathogenic alleles in the NBN gene is well understood (example, Steffen_2004, Seemanova_2007, Cybulski_2013). To our knowledge, no experimental evidence demonstrating an impact on protein function has been reported. Four clinical diagnostic laboratories have submitted clinical-significance assessments for this variant to ClinVar after 2014 and all laboratories classified the variant as pathogenic. Based on the evidence outlined above, the variant was classified as pathogenic for phenotypes of Nijmegen breakage syndrome and NBN-related cancers.

GeneDx
Classification: Likely pathogenic. Last evaluated: 2021-11-10. Review status: criteria provided, single submitter. Criteria: GeneDx Variant Classification Process June 2021. Collection method: clinical testing. Allele origin: germline. Affected: yes.
Comment: Frameshift variant predicted to result in protein truncation or nonsense mediated decay in a gene for which loss-of-function is a known mechanism of disease; Not observed at significant frequency in large population cohorts (Lek et al., 2016); Identified in a patient with prostate cancer (Matejcic 2020); This variant is associated with the following publications: (PMID: 26786923, 29915322, 30612635, 28152038, 32832836)

Genome-Nilou Lab
Classification: Pathogenic for Microcephaly, normal intelligence and immunodeficiency. Last evaluated: 2021-11-07. Review status: criteria provided, single submitter. Criteria: ACMG Guidelines, 2015. Collection method: clinical testing. Allele origin: germline. Affected: no.

Literature cited by the submitters: PubMed 9590180 (cited by Labcorp Genetics (formerly Invitae), Labcorp); PubMed 16415040 (cited by Labcorp Genetics (formerly Invitae), Labcorp); PubMed 26786923 (cited by Women's Health and Genetics/Laboratory Corporation of America, LabCorp); PubMed 28152038 (cited by Women's Health and Genetics/Laboratory Corporation of America, LabCorp); PubMed 29922827 (cited by Women's Health and Genetics/Laboratory Corporation of America, LabCorp); PubMed 32866190 (cited by Women's Health and Genetics/Laboratory Corporation of America, LabCorp); PubMed 32832836 (cited by Women's Health and Genetics/Laboratory Corporation of America, LabCorp); PubMed 30612635 (cited by Women's Health and Genetics/Laboratory Corporation of America, LabCorp); PubMed 29915322 (cited by Women's Health and Genetics/Laboratory Corporation of America, LabCorp); PubMed 34072463 (cited by Women's Health and Genetics/Laboratory Corporation of America, LabCorp).